The following is an entry in ClinVar:

ClinVar aggregate classification (germline): Likely benign (1 of 4 stars; one submission).

Conditions:
UBTF-related disorder. Also called: UBTF-related condition.

Submission:

PreventionGenetics, part of Exact Sciences
Classification: Likely benign for UBTF-related condition. Last evaluated: 2025-04-29. Review status: criteria provided, single submitter. Criteria: ACMG Guidelines, 2015. Collection method: clinical testing. Allele origin: germline.
Comment: This variant is classified as likely benign based on ACMG/AMP sequence variant interpretation guidelines (Richards et al. 2015 PMID: 25741868, with internal and published modifications).

NM_014233.4(UBTF):c.1359+10C>A

Genes: ATXN7L3-AS1 (ATXN7L3 antisense RNA 1; plus strand), UBTF (upstream binding transcription factor; minus strand), LOC121587595 (Sharpr-MPRA regulatory region 7848; plus strand). Cytogenetic location: 17q21.31.
Variant type: single nucleotide variant.
Coding change: c.1359+10C>A on transcript NM_014233.4 (MANE Select); 10 bases into the intron after coding-DNA position 1359, C replaced by A.
Molecular consequence: intron variant.
Genome position (GRCh38, 1-based): chr17:44,210,782, G>T on the plus strand (C>A on the coding strand, the complement: UBTF is on the minus strand). VCF-style: chr17-44210782-G-T. GRCh37 (hg19) VCF-style: chr17-42288150-G-T.
Other names: c.1248+10C>A (NM_001076683.2, NM_001076684.3).
Identifiers: ClinVar variation 4979960 (VCV004979960.1).